The following is an entry in ClinVar:

ClinVar aggregate classification (germline): Uncertain significance (1 of 4 stars; one submission).

Conditions:
Long QT syndrome (LQTS). Identifiers: MedGen C0023976, MeSH D008133, MONDO:0002442. Disease mechanism: loss of function. Inheritance: Various modes of inheritance.

Submission:

Labcorp Genetics (formerly Invitae), Labcorp
Classification: Uncertain significance for Long QT syndrome. Last evaluated: 2025-10-17. Review status: criteria provided, single submitter. Criteria: Invitae Variant Classification Sherloc (09022015). Collection method: clinical testing. Allele origin: germline.
Comment: This sequence change replaces isoleucine, which is neutral and non-polar, with valine, which is neutral and non-polar, at codon 2687 of the ANK2 protein (p.Ile2687Val). This variant is not present in population databases (gnomAD no frequency). This variant has not been reported in the literature in individuals affected with ANK2-related conditions. An algorithm developed to predict the effect of missense changes on protein structure and function (PolyPhen-2) suggests that this variant is likely to be disruptive. In summary, the available evidence is currently insufficient to determine the role of this variant in disease. Therefore, it has been classified as a Variant of Uncertain Significance.

NM_001148.6(ANK2):c.8059A>G (p.Ile2687Val)

Gene: ANK2 (ankyrin 2; plus strand). Cytogenetic location: 4q26.
Variant type: single nucleotide variant.
Coding change: c.8059A>G on transcript NM_001148.6 (MANE Select); coding-DNA position 8059, A replaced by G.
Protein change: p.Ile2687Val; replaces isoleucine 2687 with valine.
Molecular consequence: missense variant. On other transcripts: intron variant (68).
Genome position (GRCh38, 1-based): chr4:113,356,677, A>G. VCF-style: chr4-113356677-A-G. GRCh37 (hg19) VCF-style: chr4-114277833-A-G.
Other names: c.7825A>G, p.Ile2609Val (NM_001386142.1); c.4459A>G, p.Ile1487Val (NM_001386166.1); c.8200A>G, p.Ile2734Val (NM_001386174.1); c.8176A>G, p.Ile2726Val (NM_001386175.1); c.4412-4146A>G (NM_001386186.2, NM_001386148.2); c.4214-4146A>G (NM_001354269.3); c.4292-4146A>G (NM_001386187.2); c.4253-4146A>G (NM_001386147.1); and 35 more; short protein forms I2609V, I2687V, I1487V, I2726V, I2734V.
Identifiers: ClinVar variation 4770612 (VCV004770612.1).